The following is an entry in ClinVar:

ClinVar aggregate classification (germline): Likely benign (1 of 4 stars; one submission).

gnomAD v4.1: 9 of 1,614,210 alleles (0.00056%); highest among the groups gnomAD compares: Middle Eastern, 0.016%; no homozygotes.

Submission:

CeGaT Center for Human Genetics Tuebingen
Classification: Likely benign. Last evaluated: 2026-05-01. Review status: criteria provided, single submitter. Criteria: CeGaT Center For Human Genetics Tuebingen Variant Classification Criteria Version 2. Collection method: clinical testing. Allele origin: germline. Affected: yes. Observed: 1 variant allele.
Comment: KLHL20: BP4, BP7

NM_014458.4(KLHL20):c.534C>T (p.Asp178=)

Gene: KLHL20 (kelch like family member 20; plus strand). Cytogenetic location: 1q25.1.
Variant type: single nucleotide variant.
Coding change: c.534C>T on transcript NM_014458.4 (MANE Select); coding-DNA position 534, C replaced by T.
Protein change: p.Asp178=; no amino-acid change (aspartic acid 178 retained).
Molecular consequence: synonymous variant.
Genome position (GRCh38, 1-based): chr1:173,734,223, C>T. VCF-style: chr1-173734223-C-T. GRCh37 (hg19) VCF-style: chr1-173703362-C-T.
Identifiers: ClinVar variation 4872999 (VCV004872999.2).